The following is an entry in ClinVar:

NM_000321.3(RB1):c.381-2A>G

Gene: RB1 (RB transcriptional corepressor 1; plus strand). Cytogenetic location: 13q14.2.
Variant type: single nucleotide variant.
Coding change: c.381-2A>G on transcript NM_000321.3 (MANE Select); the canonical splice acceptor site of the intron before coding-DNA position 381, A replaced by G.
Molecular consequence: splice acceptor variant.
Genome position (GRCh38, 1-based): chr13:48,345,078, A>G. VCF-style: chr13-48345078-A-G. GRCh37 (hg19) VCF-style: chr13-48919214-A-G.
Other names: c.381-2A>G (NM_001407165.1, NM_001407166.1).
Identifiers: ClinVar variation 968644 (VCV000968644.10), dbSNP rs1952480014, ClinGen allele CA388252584.

ClinVar aggregate classification (germline): Pathogenic. Review status: criteria provided, multiple submitters, no conflicts (2 of 4 stars). 2 submissions from 2 submitters: Pathogenic (2). Last evaluated 2025-09-17.

Conditions:
Hereditary retinoblastoma. Identifiers: Orphanet 357027, MedGen C0751483, MONDO:0018160.
Retinoblastoma (RB1). Also called: RETINOBLASTOMA, SOMATIC. Identifiers: Orphanet 790, MedGen C0035335, MeSH D012175, MONDO:0008380, OMIM 180200, HP:0009919. Disease mechanism: loss of function. Inheritance: Both sporadic and heritable forms are tested..

Submissions (2):

Ramesar Group, Division of Human Genetics, Institute of Infectious Diseases and Molecular Medicine, UCT/MRC Genomic and Precision Medicine Research Unit, University of Cape Town
Classification: Pathogenic for Hereditary retinoblastoma. Last evaluated: 2025-09-17. Review status: criteria provided, single submitter. Criteria: ACMG Guidelines, 2015. Collection method: research. Allele origin: germline. Affected: yes. Observed: 1 variant allele.
Comment: PVS1: Null variant (canonical -2 splice site) in a gene (RB1) where LOF is a known mechanism of disease PM2: Absent from gnomAD and ExAC PP3: SpliceAI informs an acceptor loss and acceptor gain score of 1.00 and 0.94, respectively PP4: Patients presents with bilateral retinoblastoma PP5: Reported as pathogenic in ClinVar

Labcorp Genetics (formerly Invitae), Labcorp
Classification: Pathogenic for Retinoblastoma. Last evaluated: 2019-11-06. Review status: criteria provided, single submitter. Criteria: Invitae Variant Classification Sherloc (09022015). Collection method: clinical testing. Allele origin: germline.
Comment: Disruption of this splice site has been observed in individual(s) with bilateral retinoblastoma (PMID: 12955724, Invitae). This sequence change affects an acceptor splice site in intron 3 of the RB1 gene. It is expected to disrupt RNA splicing and likely results in an absent or disrupted protein product. This variant is not present in population databases (ExAC no frequency). Algorithms developed to predict the effect of sequence changes on RNA splicing suggest that this variant may disrupt the consensus splice site, but this prediction has not been confirmed by published transcriptional studies. Donor and acceptor splice site variants typically lead to a loss of protein function (PMID: 16199547), and loss-of-function variants in RB1 are known to be pathogenic (PMID: 17096365). For these reasons, this variant has been classified as Pathogenic.

Literature cited by the submitters: PubMed 12955724 (cited by Labcorp Genetics (formerly Invitae), Labcorp); PubMed 16199547 (cited by Labcorp Genetics (formerly Invitae), Labcorp); PubMed 17096365 (cited by Labcorp Genetics (formerly Invitae), Labcorp).